The following is an entry in ClinVar:

ClinVar aggregate classification (germline): Pathogenic/Likely pathogenic. Review status: criteria provided, multiple submitters, no conflicts (2 of 4 stars). 2 submissions from 2 submitters: Pathogenic (1); Likely pathogenic (1). Last evaluated 2023-05-15.

Conditions:
Autosomal recessive nonsyndromic hearing loss 4 (DFNB4). Also called: FOXI1-Related Pendred Syndrome; KCNJ10-Related Pendred Syndrome; DEAFNESS, AUTOSOMAL RECESSIVE 4, WITH ENLARGED VESTIBULAR AQUEDUCT, DIGENIC; NEUROSENSORY NONSYNDROMIC RECESSIVE DEAFNESS 4; Deafness, autosomal recessive 4, with enlarged vestibular aqueduct; Deafness, autosomal recessive 4. Identifiers: Orphanet 90636, MedGen C3538946, MONDO:0010933, OMIM 600791.

Allele frequency attached by ClinVar (database versions not stated): gnomAD exomes below 0.00001.
gnomAD v4.1: 1 of 1,614,064 alleles (0.000062%); highest among the groups gnomAD compares: South Asian, 0.0011%; no homozygotes.

Submissions (2):

Baylor Genetics
Classification: Likely pathogenic for Autosomal recessive nonsyndromic hearing loss 4. Last evaluated: 2023-05-15. Review status: criteria provided, single submitter. Criteria: ACMG Guidelines, 2015. Collection method: clinical testing. Allele origin: unknown.

King Laboratory, University of Washington
Classification: Pathogenic for Autosomal recessive nonsyndromic hearing loss 4. Last evaluated: 2020-08-01. Review status: criteria provided, single submitter. Criteria: Abu Rayyan A et al. (Proc Natl Acad Sci U S A 2020). Collection method: research. Allele origin: germline. Affected: yes.
Comment: Analysis of patient-derived RNA indicates that SLC26A4 c.284G>A leads to skipping of exon 3 (140bp) in message, with stop at codon 134 (Abu Rayyan 2020). It is absent from 1300 Palestinian controls and from gnomAD v2.1.1.

NM_000441.2(SLC26A4):c.284G>A (p.Gly95Glu)

Gene: SLC26A4 (solute carrier family 26 member 4; plus strand). Cytogenetic location: 7q22.3.
Variant type: single nucleotide variant.
Coding change: c.284G>A on transcript NM_000441.2 (MANE Select); coding-DNA position 284, G replaced by A.
Protein change: p.Gly95Glu; replaces glycine 95 with glutamic acid.
Molecular consequence: missense variant.
Genome position (GRCh38, 1-based): chr7:107,663,415, G>A. VCF-style: chr7-107663415-G-A. GRCh37 (hg19) VCF-style: chr7-107303860-G-A.
Other names: NM_000441.1:c.284G>A; short protein forms G95E.
Identifiers: ClinVar variation 1334127 (VCV001334127.3), dbSNP rs2129309208, ClinGen allele CA368845736.